The following is an entry in ClinVar:

ClinVar aggregate classification (germline): Pathogenic (1 of 4 stars; one submission).

Submission:

Labcorp Genetics (formerly Invitae), Labcorp
Classification: Pathogenic. Last evaluated: 2025-06-02. Review status: criteria provided, single submitter. Criteria: Invitae Variant Classification Sherloc (09022015). Collection method: clinical testing. Allele origin: germline.
Comment: This sequence change affects a donor splice site in intron 7 of the MBD4 gene. While this variant is not anticipated to result in nonsense mediated decay, it likely alters RNA splicing and results in a disrupted protein product. This variant is not present in population databases (gnomAD no frequency). This variant has not been reported in the literature in individuals affected with MBD4-related conditions. Variants that disrupt the consensus splice site are a relatively common cause of aberrant splicing (PMID: 17576681, 9536098). Algorithms developed to predict the effect of sequence changes on RNA splicing suggest that this variant may disrupt the consensus splice site. This variant disrupts a region of the MBD4 protein in which other variant(s) (p.Leu563*) have been determined to be pathogenic (PMID: 30049810, 30714079, 32239153, 35460607, 36863448; internal data). This suggests that this is a clinically significant region of the protein, and that variants that disrupt it are likely to be disease-causing. For these reasons, this variant has been classified as Pathogenic.

Literature cited by the submitters: PubMed 17576681; PubMed 9536098; PubMed 30049810; PubMed 30714079; PubMed 32239153; PubMed 35460607; PubMed 36863448.

NM_001276270.2(MBD4):c.1647+1G>T

Gene: MBD4 (methyl-CpG binding domain 4, DNA glycosylase; minus strand). Cytogenetic location: 3q21.3.
Variant type: single nucleotide variant.
Coding change: c.1647+1G>T on transcript NM_001276270.2 (MANE Select); the canonical splice donor site of the intron after coding-DNA position 1647, G replaced by T.
Molecular consequence: splice donor variant. On other transcripts: missense variant (1), intron variant (1).
Genome position (GRCh38, 1-based): chr3:129,432,502, C>A on the plus strand (G>T on the coding strand, the complement: MBD4 is on the minus strand). VCF-style: chr3-129432502-C-A. GRCh37 (hg19) VCF-style: chr3-129151345-C-A.
Other names: c.1666G>T, p.Val556Leu (NM_001276271.2); c.711+1G>T (NM_001276273.2); c.1612+54G>T (NM_001276272.2); c.1665+1G>T (NM_003925.3); short protein forms V556L.
Identifiers: ClinVar variation 4720454 (VCV004720454.1).